The following is an entry in ClinVar:

ClinVar aggregate classification (germline): Conflicting classifications of pathogenicity. Review status: criteria provided, conflicting classifications (1 of 4 stars). 3 submissions from 3 submitters: Uncertain significance (2); Likely benign (1). Last evaluated 2026-04-15.

Conditions:
EYS-related disorder. Also called: EYS-related condition.
Inborn genetic diseases. Identifiers: MedGen C0950123, MeSH D030342.

Allele frequency attached by ClinVar (database versions not stated): gnomAD 0.00005; TOPMed 0.00006.
gnomAD v4.1: 14 of 1,549,778 alleles (0.0009%); highest among the groups gnomAD compares: African/African-American, 0.018%; no homozygotes.

Submissions (3):

PreventionGenetics, part of Exact Sciences
Classification: Uncertain significance for EYS-related condition. Last evaluated: 2026-04-15. Review status: criteria provided, single submitter. Criteria: ACMG Guidelines, 2015. Collection method: clinical testing. Allele origin: germline.
Comment: The EYS c.7915G>C variant is predicted to result in the amino acid substitution p.Gly2639Arg. To our knowledge, this variant has not been reported in the literature. This variant is reported in 0.0060% of alleles in individuals of African descent in gnomAD. At this time, the clinical significance of this variant is uncertain due to the absence of conclusive functional and genetic evidence.

Ambry Genetics
Classification: Likely benign for Inborn genetic diseases. Last evaluated: 2025-08-25. Review status: criteria provided, single submitter. Criteria: Ambry Variant Classification Scheme 2023. Collection method: clinical testing. Allele origin: germline.

Labcorp Genetics (formerly Invitae), Labcorp
Classification: Uncertain significance. Last evaluated: 2022-08-23. Review status: criteria provided, single submitter. Criteria: Invitae Variant Classification Sherloc (09022015). Collection method: clinical testing. Allele origin: germline.
Comment: This sequence change replaces glycine, which is neutral and non-polar, with arginine, which is basic and polar, at codon 2639 of the EYS protein (p.Gly2639Arg). This variant is present in population databases (no rsID available, gnomAD 0.01%). This variant has not been reported in the literature in individuals affected with EYS-related conditions. Algorithms developed to predict the effect of missense changes on protein structure and function output the following: SIFT: "Tolerated"; PolyPhen-2: "Probably Damaging"; Align-GVGD: "Class C0". The arginine amino acid residue is found in multiple mammalian species, which suggests that this missense change does not adversely affect protein function. In summary, the available evidence is currently insufficient to determine the role of this variant in disease. Therefore, it has been classified as a Variant of Uncertain Significance.

NM_001142800.2(EYS):c.7915G>C (p.Gly2639Arg)

Gene: EYS (EGF-like photoreceptor maintenance factor; minus strand). Cytogenetic location: 6q12.
Variant type: single nucleotide variant.
Coding change: c.7915G>C on transcript NM_001142800.2 (MANE Select); coding-DNA position 7915, G replaced by C.
Protein change: p.Gly2639Arg; replaces glycine 2639 with arginine.
Molecular consequence: missense variant.
Genome position (GRCh38, 1-based): chr6:63,762,617, C>G on the plus strand (G>C on the coding strand, the complement: EYS is on the minus strand). VCF-style: chr6-63762617-C-G. GRCh37 (hg19) VCF-style: chr6-64472510-C-G.
Other names: c.7915G>C, p.Gly2639Arg (NM_001292009.2); c.7915G>C (NM_001142800.1); short protein forms G2639R.
Identifiers: ClinVar variation 2161083 (VCV002161083.3), dbSNP rs778077385, ClinGen allele CA140241327.